The following is an entry in ClinVar:

NM_001035.3(RYR2):c.6167-7T>C

Gene: RYR2 (ryanodine receptor 2; plus strand). Cytogenetic location: 1q43.
Variant type: single nucleotide variant.
Coding change: c.6167-7T>C on transcript NM_001035.3 (MANE Select); 7 bases into the intron before coding-DNA position 6167, T replaced by C.
Molecular consequence: intron variant.
Genome position (GRCh38, 1-based): chr1:237,627,800, T>C. VCF-style: chr1-237627800-T-C. GRCh37 (hg19) VCF-style: chr1-237791100-T-C.
Identifiers: ClinVar variation 928597 (VCV000928597.6), dbSNP rs1679840771, ClinGen allele CA1139656658.

ClinVar aggregate classification (germline): Likely benign. Review status: criteria provided, multiple submitters, no conflicts (2 of 4 stars). 2 submissions from 2 submitters: Likely benign (2). Last evaluated 2025-04-29.

Conditions:
Catecholaminergic polymorphic ventricular tachycardia 1. Also called: VENTRICULAR TACHYCARDIA, CATECHOLAMINERGIC POLYMORPHIC, 1, WITH OR WITHOUT ATRIAL DYSFUNCTION AND/OR DILATED CARDIOMYOPATHY; VENTRICULAR TACHYCARDIA, STRESS-INDUCED POLYMORPHIC 1; RYR2-Related Catecholaminergic Polymorphic Ventricular Tachycardia. Identifiers: Orphanet 3286, MedGen C1631597, MONDO:0011484, OMIM 604772.

Allele frequency attached by ClinVar (database versions not stated): gnomAD exomes below 0.00001.
gnomAD v4.1: 1 of 1,590,188 alleles (0.000063%); highest among the groups gnomAD compares: Non-Finnish European, 0.000086%; no homozygotes.

Submissions (2):

Women's Health and Genetics/Laboratory Corporation of America, LabCorp
Classification: Likely benign. Last evaluated: 2025-04-29. Review status: criteria provided, single submitter. Criteria: LabCorp Variant Classification Summary - May 2015. Collection method: clinical testing. Allele origin: germline.
Comment: Variant summary: RYR2 c.6167-7T>C alters a non-conserved nucleotide located at a position not widely known to affect splicing. Consensus agreement among computation tools predict no significant impact on normal splicing. However, these predictions have yet to be confirmed by functional studies. The variant was absent in 225642 control chromosomes (gnomAD). The available data on variant occurrences in the general population are insufficient to allow any conclusion about variant significance. To our knowledge, no occurrence of c.6167-7T>C in individuals affected with Arrhythmia and no experimental evidence demonstrating its impact on protein function have been reported. ClinVar contains an entry for this variant (Variation ID: 928597). Based on the evidence outlined above, the variant was classified as likely benign.

Labcorp Genetics (formerly Invitae), Labcorp
Classification: Likely benign for Catecholaminergic polymorphic ventricular tachycardia 1. Last evaluated: 2023-05-09. Review status: criteria provided, single submitter. Criteria: Invitae Variant Classification Sherloc (09022015). Collection method: clinical testing. Allele origin: germline.